The following is an entry in ClinVar:

NM_000517.6(HBA2):c.88del (p.Leu30fs)

Genes: HBA2 (hemoglobin subunit alpha 2; plus strand), LOC106804612 (hemoglobin subunit alpha 2 recombination region; plus strand). Cytogenetic location: 16p13.3.
Variant type: Deletion.
Coding change: c.88del on transcript NM_000517.6 (MANE Select); coding-DNA position 88, one base deleted (C; older notation c.88delC).
Protein change: p.Leu30fs; shifts the reading frame from leucine 30.
Molecular consequence: frameshift variant.
Genome position (GRCh38, 1-based): chr16:173,000, C deleted; the last of 3 consecutive C bases (chr16:172,998-173,000); deleting any one gives the same sequence. VCF-style (leftmost placement, unchanged base first): chr16-172997-GC-G. GRCh37 (hg19) VCF-style: chr16-222996-GC-G.
Other names: short protein forms L30fs.
Identifiers: ClinVar variation 4818678 (VCV004818678.1).

ClinVar aggregate classification (germline): Likely pathogenic (1 of 4 stars; one submission).

Conditions:
alpha Thalassemia. Also called: Alpha thalassemia spectrum. Identifiers: Orphanet 846, MedGen C0002312, MONDO:0011399, OMIM 604131.

Submission:

Natera, Inc.
Classification: Likely pathogenic for Alpha thalassemia. Last evaluated: 2024-09-26. Review status: criteria provided, single submitter. Criteria: Natera Variant Classification Schema (03/2026). Collection method: clinical testing. Allele origin: germline.
Comment: The c.88del variant in HBA2 is a frameshift variant predicted to shift the reading frame beginning at codon 30 and leads to a stop codon 20 codons downstream. This variant is expected to result in nonsense mediated decay, truncation, or a dysfunctional protein product. This variant is rare in the general population with a frequency below the threshold expected for the associated phenotype(s). Given the available evidence, this variant is classified as Likely Pathogenic.